The following is an entry in ClinVar:

ClinVar aggregate classification (germline): Uncertain significance. Review status: criteria provided, multiple submitters, no conflicts (2 of 4 stars). 3 submissions from 3 submitters: Uncertain significance (3). Last evaluated 2026-05-18.

Conditions:
Normophosphatemic familial tumoral calcinosis. Also called: CALCINOSIS, TUMORAL, WITH NORMOPHOSPHATEMIA. Identifiers: Orphanet 306658, Orphanet 53715, MedGen C1864861, MONDO:0012502, OMIM 610455.

Allele frequency attached by ClinVar (database versions not stated): TOPMed below 0.00001; gnomAD exomes 0.00002.
gnomAD v4.1: 14 of 1,614,044 alleles (0.00087%); highest among the groups gnomAD compares: Admixed American, 0.022%; no homozygotes.

Submissions (3):

Myriad Genetics, Inc.
Classification: Uncertain significance for Normophosphatemic familial tumoral calcinosis. Last evaluated: 2026-05-18. Review status: criteria provided, single submitter. Criteria: Myriad Autosomal Dominant, Autosomal Recessive and X-Linked Classification Criteria (2023). Collection method: clinical testing. Allele origin: unknown.
Comment: NM_017654.3(SAMD9):c.1414C>T(Q472*) is a nonsense variant classified as a variant of uncertain significance in the context of normophosphatemic familial tumoral calcinosis. Q472* has not been observed in cases with relevant disease. Relevant functional assessments of this variant are not available in the literature. Q472* has not been observed in referenced population frequency databases. In summary, there is insufficient evidence to classify NM_017654.3(SAMD9):c.1414C>T(Q472*) as pathogenic or benign. Please note: this variant was assessed in the context of healthy population screening.

Labcorp Genetics (formerly Invitae), Labcorp
Classification: Uncertain significance. Last evaluated: 2025-11-08. Review status: criteria provided, single submitter. Criteria: Invitae Variant Classification Sherloc (09022015). Collection method: clinical testing. Allele origin: germline.
Comment: This sequence change creates a premature translational stop signal (p.Gln472*) in the SAMD9 gene. While this is not anticipated to result in nonsense mediated decay, it is expected to disrupt the last 1118 amino acid(s) of the SAMD9 protein. This variant is not present in population databases (gnomAD no frequency). This variant has not been reported in the literature in individuals affected with SAMD9-related conditions. ClinVar contains an entry for this variant (Variation ID: 1523751). Experimental studies and prediction algorithms are not available or were not evaluated, and the functional significance of this variant is currently unknown. In summary, the available evidence is currently insufficient to determine the role of this variant in disease. Therefore, it has been classified as a Variant of Uncertain Significance.

Blueprint Genetics
Classification: Uncertain significance. Last evaluated: 2022-01-27. Review status: criteria provided, single submitter. Criteria: ACMG Guidelines, 2015. Collection method: clinical testing. Allele origin: germline.

NM_017654.4(SAMD9):c.1414C>T (p.Gln472Ter)

Gene: SAMD9 (sterile alpha motif domain containing 9; minus strand). Cytogenetic location: 7q21.2.
Variant type: single nucleotide variant.
Coding change: c.1414C>T on transcript NM_017654.4 (MANE Select); coding-DNA position 1414, C replaced by T.
Protein change: p.Gln472Ter; replaces glutamine 472 with a stop codon.
Molecular consequence: nonsense.
Genome position (GRCh38, 1-based): chr7:93,104,684, G>A on the plus strand (C>T on the coding strand, the complement: SAMD9 is on the minus strand). VCF-style: chr7-93104684-G-A. GRCh37 (hg19) VCF-style: chr7-92733997-G-A.
Other names: c.1414C>T, p.Gln472Ter (NM_001193307.2); short protein forms Q472*.
Identifiers: ClinVar variation 1523751 (VCV001523751.4), dbSNP rs1005428790, ClinGen allele CA161992664.